The following is an entry in ClinVar:

NM_001851.6(COL9A1):c.1256G>A (p.Arg419His)

Gene: COL9A1 (collagen type IX alpha 1 chain; minus strand). Cytogenetic location: 6q13.
Variant type: single nucleotide variant.
Coding change: c.1256G>A on transcript NM_001851.6 (MANE Select); coding-DNA position 1256, G replaced by A.
Protein change: p.Arg419His; replaces arginine 419 with histidine.
Molecular consequence: missense variant. On other transcripts: non-coding transcript variant (1).
Genome position (GRCh38, 1-based): chr6:70,268,835, C>T on the plus strand (G>A on the coding strand, the complement: COL9A1 is on the minus strand). VCF-style: chr6-70268835-C-T. GRCh37 (hg19) VCF-style: chr6-70978538-C-T.
Other names: c.1256G>A (NM_001851.4); c.527G>A, p.Arg176His (NM_001377289.1, NM_001377290.1, NM_078485.4); short protein forms R176H, R419H.
Identifiers: ClinVar variation 1661086 (VCV001661086.10), dbSNP rs757314373, ClinGen allele CA3882313.
Genomic context (GRCh38, chr6:70,268,835, plus strand): 5'-TCTTAAAATACTGGAAGTTATTCTCTTACCCTCATGCCTGGTAGGCCTGGATATCCTGAG[C>T]GACCTGGTGGACAGGCATTGGGACACTGCCAGGGAGAGAGGGAACAAAGAGAAAGAAAGA-3'
Protein context (NP_001842.3, residues 409-429): PLCPNACPPG[Arg419His]SGYPGLPGMR

ClinVar aggregate classification (germline): Likely benign. Review status: criteria provided, single submitter (1 of 4 stars). 2 submissions from 2 submitters: Likely benign (1). 1 of the submissions does not count toward it. Last evaluated 2025-08-21.

Conditions:
COL9A1-related disorder. Also called: COL9A1-related disorders; COL9A1-related condition.

Allele frequency attached by ClinVar (database versions not stated): gnomAD 0.00002; gnomAD exomes 0.00002 and 0.00010; TOPMed 0.00006; ExAC 0.00011.
gnomAD v4.1: 39 of 1,613,634 alleles (0.0024%); highest among the groups gnomAD compares: East Asian, 0.036%; no homozygotes.

Submissions (2):

Labcorp Genetics (formerly Invitae), Labcorp
Classification: Likely benign. Last evaluated: 2025-08-21. Review status: criteria provided, single submitter. Criteria: Invitae Variant Classification Sherloc (09022015). Collection method: clinical testing. Allele origin: germline.

PreventionGenetics, part of Exact Sciences
Classification: Likely benign for COL9A1-related condition. Last evaluated: 2022-04-07. Review status: no assertion criteria provided. Collection method: clinical testing. Allele origin: germline. Not counted in ClinVar's aggregate classification.
Comment: This variant is classified as likely benign based on ACMG/AMP sequence variant interpretation guidelines (Richards et al. 2015 PMID: 25741868, with internal and published modifications).